The following is an entry in ClinVar:

ClinVar aggregate classification (germline): Uncertain significance (1 of 4 stars; one submission).

Submission:

Labcorp Genetics (formerly Invitae), Labcorp
Classification: Uncertain significance. Last evaluated: 2025-09-28. Review status: criteria provided, single submitter. Criteria: Invitae Variant Classification Sherloc (09022015). Collection method: clinical testing. Allele origin: germline.
Comment: This sequence change replaces arginine, which is basic and polar, with cysteine, which is neutral and slightly polar, at codon 488 of the PLD3 protein (p.Arg488Cys). This variant is present in population databases (rs373686736, gnomAD 0.02%). This missense change has been observed in individual(s) with PLD3-related conditions (PMID: 24336208, 34582790). ClinVar contains an entry for this variant (Variation ID: 3664525). An algorithm developed to predict the effect of missense changes on protein structure and function (PolyPhen-2) suggests that this variant is likely to be disruptive. In summary, the available evidence is currently insufficient to determine the role of this variant in disease. Therefore, it has been classified as a Variant of Uncertain Significance.

Literature cited by the submitters: PubMed 24336208; PubMed 34582790.

NM_012268.4(PLD3):c.1462C>T (p.Arg488Cys)

Gene: PLD3 (phospholipase D family member 3; plus strand). Cytogenetic location: 19q13.2.
Variant type: single nucleotide variant.
Coding change: c.1462C>T on transcript NM_012268.4 (MANE Select); coding-DNA position 1462, C replaced by T.
Protein change: p.Arg488Cys; replaces arginine 488 with cysteine.
Molecular consequence: missense variant.
Genome position (GRCh38, 1-based): chr19:40,378,162, C>T. VCF-style: chr19-40378162-C-T. GRCh37 (hg19) VCF-style: chr19-40884069-C-T.
Other names: c.1462C>T, p.Arg488Cys (NM_001031696.4, NM_001291311.2); short protein forms R488C.
Identifiers: ClinVar variation 3664525 (VCV003664525.2).